The following is an entry in ClinVar:

ClinVar aggregate classification (germline): Uncertain significance (1 of 4 stars; one submission).

Conditions:
Tuberous sclerosis 2 (TSC2). Identifiers: Orphanet 805, MedGen C1860707, MONDO:0013199, OMIM 613254.

Submission:

Labcorp Genetics (formerly Invitae), Labcorp
Classification: Uncertain significance for Tuberous sclerosis 2. Last evaluated: 2020-11-03. Review status: criteria provided, single submitter. Criteria: Invitae Variant Classification Sherloc (09022015). Collection method: clinical testing. Allele origin: germline.
Comment: In summary, the available evidence is currently insufficient to determine the role of this variant in disease. Therefore, it has been classified as a Variant of Uncertain Significance. Advanced modeling of protein sequence and biophysical properties (such as structural, functional, and spatial information, amino acid conservation, physicochemical variation, residue mobility, and thermodynamic stability) performed at Invitae indicates that this missense variant is not expected to disrupt TSC2 protein function. This variant has not been reported in the literature in individuals with TSC2-related conditions. This variant is not present in population databases (ExAC no frequency). This sequence change replaces glutamic acid with glutamine at codon 1313 of the TSC2 protein (p.Glu1313Gln). The glutamic acid residue is moderately conserved and there is a small physicochemical difference between glutamic acid and glutamine.

NM_000548.5(TSC2):c.3937G>C (p.Glu1313Gln)

Gene: TSC2 (TSC complex subunit 2; plus strand). Cytogenetic location: 16p13.3.
Variant type: single nucleotide variant.
Coding change: c.3937G>C on transcript NM_000548.5 (MANE Select); coding-DNA position 3937, G replaced by C.
Protein change: p.Glu1313Gln; replaces glutamic acid 1313 with glutamine.
Molecular consequence: missense variant.
Genome position (GRCh38, 1-based): chr16:2,083,748, G>C. VCF-style: chr16-2083748-G-C. GRCh37 (hg19) VCF-style: chr16-2133749-G-C.
Other names: c.3736G>C, p.Glu1246Gln (NM_001077183.3); c.3868G>C, p.Glu1290Gln (NM_001114382.3); c.3628G>C, p.Glu1210Gln (NM_001318827.2); c.3592G>C, p.Glu1198Gln (NM_001318829.2); c.3205G>C, p.Glu1069Gln (NM_001318831.2); c.3769G>C, p.Glu1257Gln (NM_001318832.2); c.3739G>C, p.Glu1247Gln (NM_001363528.2); c.3805G>C, p.Glu1269Gln (NM_001370404.1); and 1 more; short protein forms E1246Q, E1257Q, E1069Q, E1269Q, E1290Q, E1313Q, E1210Q, E1247Q.
Identifiers: ClinVar variation 1524729 (VCV001524729.8), dbSNP rs45517321, ClinGen allele CA394297288.